The following is an entry in ClinVar:

NM_198576.4(AGRN):c.4183C>T (p.Arg1395Cys)

Gene: AGRN (agrin; plus strand). Cytogenetic location: 1p36.33.
Variant type: single nucleotide variant.
Coding change: c.4183C>T on transcript NM_198576.4 (MANE Select); coding-DNA position 4183, C replaced by T.
Protein change: p.Arg1395Cys; replaces arginine 1395 with cysteine.
Molecular consequence: missense variant.
Genome position (GRCh38, 1-based): chr1:1,048,944, C>T. VCF-style: chr1-1048944-C-T. GRCh37 (hg19) VCF-style: chr1-984324-C-T.
Other names: c.4183C>T, p.Arg1395Cys (NM_001305275.2); c.3868C>T, p.Arg1290Cys (NM_001364727.2); short protein forms R1395C, R1290C.
Identifiers: ClinVar variation 474129 (VCV000474129.9), dbSNP rs1015396973, ClinGen allele CA16700382.

ClinVar aggregate classification (germline): Uncertain significance. Review status: criteria provided, multiple submitters, no conflicts (2 of 4 stars). 2 submissions from 2 submitters: Uncertain significance (2). Last evaluated 2024-09-08.

Conditions:
Congenital myasthenic syndrome 8. Also called: MYASTHENIC SYNDROME, CONGENITAL, DUE TO AGRIN DEFICIENCY; Myasthenic syndrome, congenital, 8, with pre- and postsynaptic defects. Identifiers: Orphanet 590, MedGen C3808739, MONDO:0014052, OMIM 615120.

Allele frequency attached by ClinVar (database versions not stated): TOPMed 0.00001; gnomAD exomes 0.00001.
gnomAD v4.1: 10 of 1,566,932 alleles (0.00064%); highest among the groups gnomAD compares: South Asian, 0.0023%; no homozygotes.

Submissions (2):

Revvity Omics, Revvity
Classification: Uncertain significance for Congenital myasthenic syndrome 8. Last evaluated: 2024-09-08. Review status: criteria provided, single submitter. Criteria: ACMG Guidelines, 2015. Collection method: clinical testing. Allele origin: germline.

Labcorp Genetics (formerly Invitae), Labcorp
Classification: Uncertain significance for Congenital myasthenic syndrome 8. Last evaluated: 2017-02-13. Review status: criteria provided, single submitter. Criteria: Invitae Variant Classification Sherloc (09022015). Collection method: clinical testing. Allele origin: germline.
Comment: In summary, this variant is a novel missense change with uncertain impact on protein function. It has been classified as a Variant of Uncertain Significance. Algorithms developed to predict the effect of missense changes on protein structure and function do not agree on the potential impact of this missense change (SIFT: "Deleterious"; PolyPhen-2: "Probably Damaging"; Align-GVGD: "Class C0"). While this variant is not present in population databases, the frequency information is unreliable, as metrics indicate poor data quality at this position in the ExAC database. This variant has not been reported in the literature in individuals with an AGRN-related disease. This sequence change replaces arginine with cysteine at codon 1395 of the AGRN protein (p.Arg1395Cys). The arginine residue is highly conserved and there is a large physicochemical difference between arginine and cysteine.